The following is an entry in ClinVar:

ClinVar aggregate classification (germline): Uncertain significance. Review status: criteria provided, multiple submitters, no conflicts (2 of 4 stars). 2 submissions from 2 submitters: Uncertain significance (2). Last evaluated 2024-10-09.

Conditions:
Inborn genetic diseases. Identifiers: MedGen C0950123, MeSH D030342.

Allele frequency attached by ClinVar (database versions not stated): ExAC 0.00002; gnomAD exomes 0.00004.
gnomAD v4.1: 62 of 1,605,422 alleles (0.0039%); highest among the groups gnomAD compares: Middle Eastern, 0.016%; no homozygotes.

Submissions (2):

Ambry Genetics
Classification: Uncertain significance for Inborn genetic diseases. Last evaluated: 2024-10-09. Review status: criteria provided, single submitter. Criteria: Ambry Variant Classification Scheme 2023. Collection method: clinical testing. Allele origin: germline.

Labcorp Genetics (formerly Invitae), Labcorp
Classification: Uncertain significance. Last evaluated: 2024-02-17. Review status: criteria provided, single submitter. Criteria: Invitae Variant Classification Sherloc (09022015). Collection method: clinical testing. Allele origin: germline.
Comment: This sequence change replaces glycine, which is neutral and non-polar, with valine, which is neutral and non-polar, at codon 554 of the PRDM13 protein (p.Gly554Val). This variant is present in population databases (rs779766313, gnomAD 0.01%). This variant has not been reported in the literature in individuals affected with PRDM13-related conditions. ClinVar contains an entry for this variant (Variation ID: 1897647). An algorithm developed to predict the effect of missense changes on protein structure and function (PolyPhen-2) suggests that this variant is likely to be tolerated. In summary, the available evidence is currently insufficient to determine the role of this variant in disease. Therefore, it has been classified as a Variant of Uncertain Significance.

NM_021620.4(PRDM13):c.1661G>T (p.Gly554Val)

Gene: PRDM13 (PR/SET domain 13; plus strand). Cytogenetic location: 6q16.2.
Variant type: single nucleotide variant.
Coding change: c.1661G>T on transcript NM_021620.4 (MANE Select); coding-DNA position 1661, G replaced by T.
Protein change: p.Gly554Val; replaces glycine 554 with valine.
Molecular consequence: missense variant.
Genome position (GRCh38, 1-based): chr6:99,614,296, G>T. VCF-style: chr6-99614296-G-T. GRCh37 (hg19) VCF-style: chr6-100062172-G-T.
Other names: c.1661G>T (NM_021620.3); short protein forms G554V.
Identifiers: ClinVar variation 1897647 (VCV001897647.6), dbSNP rs779766313, ClinGen allele CA3936429.